The following is an entry in ClinVar:

NM_018125.4(ARHGEF10L):c.3540C>T (p.Thr1180=)

Gene: ARHGEF10L (Rho guanine nucleotide exchange factor 10 like; plus strand). Cytogenetic location: 1p36.13.
Variant type: single nucleotide variant.
Coding change: c.3540C>T on transcript NM_018125.4 (MANE Select); coding-DNA position 3540, C replaced by T.
Protein change: p.Thr1180=; no amino-acid change (threonine 1180 retained).
Molecular consequence: synonymous variant. On other transcripts: non-coding transcript variant (2).
Genome position (GRCh38, 1-based): chr1:17,697,080, C>T. VCF-style: chr1-17697080-C-T. GRCh37 (hg19) VCF-style: chr1-18023575-C-T.
Other names: c.3423C>T, p.Thr1141= (NM_001011722.2); c.3408C>T, p.Thr1136= (NM_001319837.2); c.2649C>T, p.Thr883= (NM_001319838.1); c.2874C>T, p.Thr958= (NM_001328124.1).
Identifiers: ClinVar variation 2638399 (VCV002638399.24), dbSNP rs138492452, ClinGen allele CA643939.

ClinVar aggregate classification (germline): Likely benign (1 of 4 stars; one submission).

Allele frequency attached by ClinVar (database versions not stated): 1000 Genomes Project 30x 0.00094; 1000 Genomes Project 0.00100; gnomAD 0.00285; ExAC 0.00288; ESP Exome Variant Server 0.00339.
gnomAD v4.1: 6,869 of 1,606,590 alleles (0.43%); highest among the groups gnomAD compares: Non-Finnish European, 0.52%; 28 homozygotes.

Submission:

CeGaT Center for Human Genetics Tuebingen
Classification: Likely benign. Last evaluated: 2022-07-01. Review status: criteria provided, single submitter. Criteria: CeGaT Center For Human Genetics Tuebingen Variant Classification Criteria Version 2. Collection method: clinical testing. Allele origin: germline. Affected: yes. Observed: 1 variant allele.
Comment: ARHGEF10L: BP4, BP7